The following is an entry in ClinVar:

NM_001005361.3(DNM2):c.839C>T (p.Thr280Met)

Gene: DNM2 (dynamin 2; plus strand). Cytogenetic location: 19p13.2.
Variant type: single nucleotide variant.
Coding change: c.839C>T on transcript NM_001005361.3 (MANE Select); coding-DNA position 839, C replaced by T.
Protein change: p.Thr280Met; replaces threonine 280 with methionine.
Molecular consequence: missense variant.
Genome position (GRCh38, 1-based): chr19:10,783,110, C>T. VCF-style: chr19-10783110-C-T. GRCh37 (hg19) VCF-style: chr19-10893786-C-T.
Other names: c.839C>T, p.Thr280Met (NM_001005360.3, NM_001005362.3, NM_001190716.2 and 1 more transcripts); short protein forms T280M.
Identifiers: ClinVar variation 246310 (VCV000246310.20), dbSNP rs202155679, ClinGen allele CA9200897.

ClinVar aggregate classification (germline): Conflicting classifications of pathogenicity. Review status: criteria provided, conflicting classifications (1 of 4 stars). 5 submissions from 5 submitters: Uncertain significance (3); Likely benign (2). Last evaluated 2025-10-28.

Conditions:
Inborn genetic diseases. Identifiers: MedGen C0950123, MeSH D030342.
Charcot-Marie-Tooth disease dominant intermediate B (CMTDIB). Also called: CHARCOT-MARIE-TOOTH NEUROPATHY, DOMINANT INTERMEDIATE B; Charcot-Marie-Tooth disease dominant intermediate 1; CMT DI1; Charcot-Marie-Tooth disease dominant intermediate I. Identifiers: Orphanet 100044, Orphanet 228179, MedGen C1847902, MONDO:0011674, OMIM 606482.

Allele frequency attached by ClinVar (database versions not stated): gnomAD exomes 0.00002 and 0.00004; ExAC 0.00004; ESP Exome Variant Server 0.00008; TOPMed 0.00012; gnomAD 0.00014; 1000 Genomes Project 30x 0.00047; 1000 Genomes Project 0.00060.
gnomAD v4.1: 54 of 1,611,886 alleles (0.0034%); highest among the groups gnomAD compares: African/African-American, 0.052%; no homozygotes.

Submissions (5):

Ambry Genetics
Classification: Likely benign for Inborn genetic diseases. Last evaluated: 2025-10-28. Review status: criteria provided, single submitter. Criteria: Ambry Variant Classification Scheme 2023. Collection method: clinical testing. Allele origin: germline.

Labcorp Genetics (formerly Invitae), Labcorp
Classification: Likely benign for Charcot-Marie-Tooth disease dominant intermediate B. Last evaluated: 2025-09-17. Review status: criteria provided, single submitter. Criteria: Invitae Variant Classification Sherloc (09022015). Collection method: clinical testing. Allele origin: germline.

Revvity Omics, Revvity
Classification: Uncertain significance. Last evaluated: 2021-03-08. Review status: criteria provided, single submitter. Criteria: ACMG Guidelines, 2015. Collection method: clinical testing. Allele origin: germline.

Eurofins Ntd Llc (ga)
Classification: Uncertain significance. Last evaluated: 2017-01-26. Review status: criteria provided, single submitter. Criteria: EGL Classification Definitions 2015. Collection method: clinical testing. Allele origin: germline. Observed: 1 variant allele, 1 heterozygote.

GeneDx
Classification: Uncertain significance. Last evaluated: 2016-08-31. Review status: criteria provided, single submitter. Criteria: GeneDx Variant Classification (06012015). Collection method: clinical testing. Allele origin: germline. Affected: yes.
Comment: The T280M variant has not been published as a pathogenic variant, nor has it been reported as a benign variant to our knowledge. The 1000 Genomes Project Consortium reports T280M was observed in 2/122 alleles from Americans of African ancestry in the Southwest USA. The T280M variant is a non-conservative amino acid substitution, which is likely to impact secondary protein structure as these residues differ in polarity, charge, size and/or other properties. This substitution occurs at a position that is conserved in mammals. In silico analysis is inconsistent in its predictions as to whether or not the variant is damaging to the protein structure/function. Therefore, based on the currently available information, it is unclear whether this variant is a pathogenic variant or a rare benign variant.